The following is an entry in ClinVar:

NM_015631.6(TCTN3):c.1466C>T (p.Thr489Ile)

Gene: TCTN3 (tectonic family member 3; minus strand). Cytogenetic location: 10q24.1.
Variant type: single nucleotide variant.
Coding change: c.1466C>T on transcript NM_015631.6 (MANE Select); coding-DNA position 1466, C replaced by T.
Protein change: p.Thr489Ile; replaces threonine 489 with isoleucine.
Molecular consequence: missense variant.
Genome position (GRCh38, 1-based): chr10:95,680,596, G>A on the plus strand (C>T on the coding strand, the complement: TCTN3 is on the minus strand). VCF-style: chr10-95680596-G-A. GRCh37 (hg19) VCF-style: chr10-97440353-G-A.
Other names: c.1022C>T, p.Thr341Ile (NM_001143973.2); short protein forms T341I, T489I.
Identifiers: ClinVar variation 1421347 (VCV001421347.5), dbSNP rs767733835, ClinGen allele CA5620821.

ClinVar aggregate classification (germline): Uncertain significance (1 of 4 stars; one submission).

Conditions:
Joubert syndrome 18 (JBTS18). Identifiers: Orphanet 2754, MedGen C3553758, MONDO:0013896, OMIM 614815.
Orofacial-digital syndrome IV (OFD4). Also called: Orofaciodigital syndrome IV; BARAITSER-BURN SYNDROME; MOHR-MAJEWSKI SYNDROME; OFD SYNDROME WITH TIBIAL DEFECTS; OFD SYNDROME, BARAITSER-BURN TYPE; OFDS IV. Identifiers: Orphanet 2753, MedGen C0406727, MONDO:0009794, OMIM 258860.

Allele frequency attached by ClinVar (database versions not stated): gnomAD exomes below 0.00001; ExAC 0.00001; gnomAD 0.00001.
gnomAD v4.1: 18 of 1,613,848 alleles (0.0011%); highest among the groups gnomAD compares: African/African-American, 0.0027%; no homozygotes.

Submission:

Labcorp Genetics (formerly Invitae), Labcorp
Classification: Uncertain significance for Joubert syndrome 18; Orofacial-digital syndrome IV. Last evaluated: 2022-08-05. Review status: criteria provided, single submitter. Criteria: Invitae Variant Classification Sherloc (09022015). Collection method: clinical testing. Allele origin: germline.
Comment: This sequence change replaces threonine, which is neutral and polar, with isoleucine, which is neutral and non-polar, at codon 489 of the TCTN3 protein (p.Thr489Ile). This variant is present in population databases (rs767733835, gnomAD 0.0009%). This variant has not been reported in the literature in individuals affected with TCTN3-related conditions. ClinVar contains an entry for this variant (Variation ID: 1421347). Algorithms developed to predict the effect of missense changes on protein structure and function output the following: SIFT: "Deleterious"; PolyPhen-2: "Benign"; Align-GVGD: "Class C0". The isoleucine amino acid residue is found in multiple mammalian species, which suggests that this missense change does not adversely affect protein function. Algorithms developed to predict the effect of sequence changes on RNA splicing suggest that this variant may create or strengthen a splice site. In summary, the available evidence is currently insufficient to determine the role of this variant in disease. Therefore, it has been classified as a Variant of Uncertain Significance.